The following is an entry in ClinVar:

NM_033629.6(TREX1):c.632G>T (p.Arg211Ile)

Genes: ATRIP (ATR interacting protein; plus strand), ATRIP-TREX1 (ATRIP-TREX1 readthrough; plus strand), TREX1 (three prime repair exonuclease 1; plus strand). Cytogenetic location: 3p21.31.
Variant type: single nucleotide variant.
Coding change: c.632G>T on transcript NM_033629.6 (MANE Select); coding-DNA position 632, G replaced by T.
Protein change: p.Arg211Ile; replaces arginine 211 with isoleucine.
Molecular consequence: missense variant. On other transcripts: non-coding transcript variant (1), 3 prime UTR variant (4).
Genome position (GRCh38, 1-based): chr3:48,467,287, G>T. VCF-style: chr3-48467287-G-T. GRCh37 (hg19) VCF-style: chr3-48508686-G-T.
Other names: c.602G>T, p.Arg201Ile (NM_007248.5); c.*1733G>T (NM_001271022.2, NM_001271023.2, NM_032166.4 and 1 more transcripts); short protein forms R201I, R211I.
Identifiers: ClinVar variation 1675919 (VCV001675919.33), dbSNP rs1052802319, ClinGen allele CA352618797.

ClinVar aggregate classification (germline): Uncertain significance (1 of 4 stars; one submission).

Allele frequency attached by ClinVar (database versions not stated): gnomAD exomes below 0.00001.
gnomAD v4.1: 1 of 1,614,156 alleles (0.000062%); no homozygotes.

Submission:

CeGaT Center for Human Genetics Tuebingen
Classification: Uncertain significance. Last evaluated: 2022-03-01. Review status: criteria provided, single submitter. Criteria: CeGaT Center For Human Genetics Tuebingen Variant Classification Criteria Version 2. Collection method: clinical testing. Allele origin: germline. Affected: yes. Observed: 1 variant allele.
Comment: TREX1: PM2